The following is an entry in ClinVar:

NM_014208.3(DSPP):c.1051G>A (p.Glu351Lys)

Genes: DMP1-AS1 (DMP1 and DSPP antisense RNA 1; minus strand), DSPP (dentin sialophosphoprotein; plus strand). Cytogenetic location: 4q22.1.
Variant type: single nucleotide variant.
Coding change: c.1051G>A on transcript NM_014208.3 (MANE Select); coding-DNA position 1051, G replaced by A.
Protein change: p.Glu351Lys; replaces glutamic acid 351 with lysine.
Molecular consequence: missense variant.
Genome position (GRCh38, 1-based): chr4:87,613,237, G>A. VCF-style: chr4-87613237-G-A. GRCh37 (hg19) VCF-style: chr4-88534389-G-A.
Other names: short protein forms E351K.
Identifiers: ClinVar variation 4717692 (VCV004717692.1).

ClinVar aggregate classification (germline): Uncertain significance (1 of 4 stars; one submission).

Submission:

Labcorp Genetics (formerly Invitae), Labcorp
Classification: Uncertain significance. Last evaluated: 2025-04-17. Review status: criteria provided, single submitter. Criteria: Invitae Variant Classification Sherloc (09022015). Collection method: clinical testing. Allele origin: germline.
Comment: This sequence change replaces glutamic acid, which is acidic and polar, with lysine, which is basic and polar, at codon 351 of the DSPP protein (p.Glu351Lys). This variant is not present in population databases (gnomAD no frequency). This variant has not been reported in the literature in individuals affected with DSPP-related conditions. An algorithm developed to predict the effect of missense changes on protein structure and function outputs the following: PolyPhen-2: "Probably Damaging". The lysine amino acid residue is found in multiple mammalian species, which suggests that this missense change does not adversely affect protein function. In summary, the available evidence is currently insufficient to determine the role of this variant in disease. Therefore, it has been classified as a Variant of Uncertain Significance.